The following is an entry in ClinVar:

NM_001365999.1(SZT2):c.6282C>G (p.Tyr2094Ter)

Gene: SZT2 (SZT2 subunit of KICSTOR complex; plus strand). Cytogenetic location: 1p34.2.
Variant type: single nucleotide variant.
Coding change: c.6282C>G on transcript NM_001365999.1 (MANE Select); coding-DNA position 6282, C replaced by G.
Protein change: p.Tyr2094Ter; replaces tyrosine 2094 with a stop codon.
Molecular consequence: nonsense.
Genome position (GRCh38, 1-based): chr1:43,437,500, C>G. VCF-style: chr1-43437500-C-G. GRCh37 (hg19) VCF-style: chr1-43903171-C-G.
Other names: c.6111C>G, p.Tyr2037Ter (NM_015284.4); short protein forms Y2037*, Y2094*.
Identifiers: ClinVar variation 1910503 (VCV001910503.5), dbSNP rs377392290, ClinGen allele CA21643282.

ClinVar aggregate classification (germline): Pathogenic (1 of 4 stars; one submission).

Allele frequency attached by ClinVar (database versions not stated): gnomAD exomes below 0.00001; TOPMed below 0.00001; ESP Exome Variant Server 0.00008.

Submission:

Labcorp Genetics (formerly Invitae), Labcorp
Classification: Pathogenic. Last evaluated: 2023-08-24. Review status: criteria provided, single submitter. Criteria: Invitae Variant Classification Sherloc (09022015). Collection method: clinical testing. Allele origin: germline.
Comment: This sequence change creates a premature translational stop signal (p.Tyr2037*) in the SZT2 gene. It is expected to result in an absent or disrupted protein product. Loss-of-function variants in SZT2 are known to be pathogenic (PMID: 23932106, 27248490, 28556953). This variant is not present in population databases (gnomAD no frequency). This variant has not been reported in the literature in individuals affected with SZT2-related conditions. ClinVar contains an entry for this variant (Variation ID: 1910503). For these reasons, this variant has been classified as Pathogenic.

Literature cited by the submitters: PubMed 23932106; PubMed 27248490; PubMed 28556953.